The following is an entry in ClinVar:

ClinVar aggregate classification (germline): Likely benign (1 of 4 stars; one submission).

gnomAD v4.1: 4 of 1,611,096 alleles (0.00025%); highest among the groups gnomAD compares: East Asian, 0.0022%; no homozygotes.

Submission:

GeneDx
Classification: Likely benign. Last evaluated: 2016-11-29. Review status: criteria provided, single submitter. Criteria: GeneDx Variant Classification (06012015). Collection method: clinical testing. Allele origin: germline. Affected: yes.
Comment: This variant is considered likely benign or benign based on one or more of the following criteria: it is a conservative change, it occurs at a poorly conserved position in the protein, it is predicted to be benign by multiple in silico algorithms, and/or has population frequency not consistent with disease.

NM_002485.5(NBN):c.-37G>C

Gene: NBN (nibrin; minus strand). Cytogenetic location: 8q21.3.
Variant type: single nucleotide variant.
Coding change: c.-37G>C on transcript NM_002485.5 (MANE Select); 37 bases upstream of the start codon, G replaced by C.
Molecular consequence: 5 prime UTR variant.
Genome position (GRCh38, 1-based): chr8:89,984,598, C>G on the plus strand (G>C on the coding strand, the complement: NBN is on the minus strand). VCF-style: chr8-89984598-C-G. GRCh37 (hg19) VCF-style: chr8-90996826-C-G.
Other names: c.-333G>C (NM_001024688.3).
Identifiers: ClinVar variation 391389 (VCV000391389.1), dbSNP rs543890002, ClinGen allele CA16606154.
Genomic context (GRCh38, chr8:89,984,598, plus strand): 5'-CGCGGCGGGCAGCAGTTTCCACATCGGTCCGGCTCCTCAGGGCTGGGGCCGACGTGCAAC[C>G]GCGTAACCGGGGCTGCTAGACGAGCGCGGATACGGCGCCTGCGGTCGGCATGGGCTCCGG-3'